The following is an entry in ClinVar:

NM_001358921.2(COQ2):c.271T>C (p.Leu91=)

Gene: COQ2 (coenzyme Q2, polyprenyltransferase; minus strand). Cytogenetic location: 4q21.23.
Variant type: single nucleotide variant.
Coding change: c.271T>C on transcript NM_001358921.2 (MANE Select); coding-DNA position 271, T replaced by C.
Protein change: p.Leu91=; no amino-acid change (leucine 91 retained).
Molecular consequence: synonymous variant.
Genome position (GRCh38, 1-based): chr4:83,279,097, A>G on the plus strand (T>C on the coding strand, the complement: COQ2 is on the minus strand). VCF-style: chr4-83279097-A-G. GRCh37 (hg19) VCF-style: chr4-84200250-A-G.
Other names: p.Leu141=; c.421T>C, p.Leu141= (NM_015697.9); c.421T>C (NM_015697.8).
Identifiers: ClinVar variation 2754481 (VCV002754481.4), dbSNP rs770656317, ClinGen allele CA2988634.

ClinVar aggregate classification (germline): Likely benign. Review status: criteria provided, multiple submitters, no conflicts (2 of 4 stars). 2 submissions from 2 submitters: Likely benign (2). Last evaluated 2025-09-09.

Allele frequency attached by ClinVar (database versions not stated): gnomAD exomes below 0.00001; gnomAD 0.00001; ExAC 0.00002.
gnomAD v4.1: 7 of 1,572,080 alleles (0.00045%); highest among the groups gnomAD compares: Non-Finnish European, 0.0006%; no homozygotes.

Submissions (2):

Mayo Clinic Laboratories, Mayo Clinic
Classification: Likely benign. Last evaluated: 2025-09-09. Review status: criteria provided, single submitter. Criteria: ACMG Guidelines, 2015. Collection method: clinical testing. Allele origin: germline. Observed: 1 variant allele.
Comment: BP4, BP7

Labcorp Genetics (formerly Invitae), Labcorp
Classification: Likely benign. Last evaluated: 2022-10-19. Review status: criteria provided, single submitter. Criteria: Invitae Variant Classification Sherloc (09022015). Collection method: clinical testing. Allele origin: germline.